The following is an entry in ClinVar:

NM_000157.4(GBA1):c.17_18del (p.Pro6fs)

Gene: GBA1 (glucosylceramidase beta 1; minus strand). Cytogenetic location: 1q22.
Variant type: Deletion.
Coding change: c.17_18del on transcript NM_000157.4 (MANE Select); coding-DNA positions 17 to 18, 2 bases deleted (CT; older notation c.17_18delCT).
Protein change: p.Pro6fs; shifts the reading frame from proline 6.
Molecular consequence: frameshift variant. On other transcripts: intron variant (1).
Genome position (GRCh38, 1-based): chr1:155,241,095-155,241,096, AG deleted on the plus strand (CT on the coding strand, the reverse complement: GBA1 is on the minus strand). VCF-style (leftmost placement, unchanged base first): chr1-155241094-AAG-A. GRCh37 (hg19) VCF-style: chr1-155210885-AAG-A.
Other names: c.17_18del, p.Pro6fs (NM_001005741.3, NM_001005742.3, NM_001171812.2); c.-146-1019_-146-1018del (NM_001171811.2); short protein forms P6fs.
Identifiers: ClinVar variation 2921042 (VCV002921042.1), dbSNP rs2524853377, ClinGen allele CA2648254277.

ClinVar aggregate classification (germline): Likely pathogenic (1 of 4 stars; one submission).

Submission:

ARUP Laboratories, Molecular Genetics and Genomics, ARUP Laboratories
Classification: Likely pathogenic. Last evaluated: 2023-09-01. Review status: criteria provided, single submitter. Criteria: ARUP Molecular Germline Variant Investigation Process 2024. Collection method: clinical testing. Allele origin: germline.
Comment: The GBA c.17_18delCT; p.Pro6LeufsTer11 variant, to our knowledge, is not reported in the medical literature or gene specific databases. This variant is also absent from the Genome Aggregation Database, indicating it is not a common polymorphism. This variant causes a frameshift by deleting two nucleotides, so it is predicted to result in a truncated protein or mRNA subject to nonsense-mediated decay. Based on available information, this variant is considered to be likely pathogenic.